The following is an entry in ClinVar:

ClinVar aggregate classification (germline): Uncertain significance. Review status: criteria provided, multiple submitters, no conflicts (2 of 4 stars). 4 submissions from 4 submitters: Uncertain significance (4). Last evaluated 2025-09-01.

Conditions:
Inborn genetic diseases. Identifiers: MedGen C0950123, MeSH D030342.
Autosomal recessive congenital ichthyosis 4B (ARCI4B). Also called: ICHTHYOSIS CONGENITA, HARLEQUIN FETUS TYPE; Harlequin Fetus; Ichthyosis, congenital, autosomal recessive 4B (harlequin); HARLEQUIN ICHTHYOSIS. Identifiers: Orphanet 457, MedGen C0598226, MONDO:0009443, OMIM 242500.
Autosomal recessive congenital ichthyosis 4A (LI2). Also called: ICHTHYOSIS CONGENITA IIB. Identifiers: Orphanet 313, MedGen C1832550, MONDO:0011026, OMIM 601277.

Allele frequency attached by ClinVar (database versions not stated): gnomAD 0.00013 and 0.00019; gnomAD exomes 0.00017 and 0.00024; TOPMed 0.00020; ExAC 0.00022.
gnomAD v4.1: 269 of 1,613,572 alleles (0.017%); highest among the groups gnomAD compares: Non-Finnish European, 0.018%; no homozygotes.

Submissions (4):

CeGaT Center for Human Genetics Tuebingen
Classification: Uncertain significance. Last evaluated: 2025-09-01. Review status: criteria provided, single submitter. Criteria: CeGaT Center For Human Genetics Tuebingen Variant Classification Criteria Version 2. Collection method: clinical testing. Allele origin: germline. Affected: yes. Observed: 1 variant allele.
Comment: ABCA12: PM2, BP4

Ambry Genetics
Classification: Uncertain significance for Inborn genetic diseases. Last evaluated: 2023-10-14. Review status: criteria provided, single submitter. Criteria: Ambry Variant Classification Scheme 2023. Collection method: clinical testing. Allele origin: germline.

Fulgent Genetics
Classification: Uncertain significance for Autosomal recessive congenital ichthyosis 4B; Autosomal recessive congenital ichthyosis 4A. Last evaluated: 2022-01-17. Review status: criteria provided, single submitter. Criteria: ACMG Guidelines, 2015. Collection method: clinical testing. Allele origin: unknown.

Centre for Mendelian Genomics, University Medical Centre Ljubljana
Classification: Uncertain significance for Autosomal recessive congenital ichthyosis 4B. Last evaluated: 2018-10-01. Review status: criteria provided, single submitter. Criteria: ACMG Guidelines, 2015. Collection method: clinical testing. Allele origin: unknown. Affected: yes.
Comment: This variant was classified as: Uncertain significance. The available evidence on this variant's pathogenicity is insufficient or conflicting. The following ACMG criteria were applied in classifying this variant: No criteria apply.

NM_173076.3(ABCA12):c.7715A>G (p.Tyr2572Cys)

Genes: SNHG31 (small nucleolar RNA host gene 31; plus strand), ABCA12 (ATP binding cassette subfamily A member 12; minus strand). Cytogenetic location: 2q35.
Variant type: single nucleotide variant.
Coding change: c.7715A>G on transcript NM_173076.3 (MANE Select); coding-DNA position 7715, A replaced by G.
Protein change: p.Tyr2572Cys; replaces tyrosine 2572 with cysteine.
Molecular consequence: missense variant. On other transcripts: non-coding transcript variant (1).
Genome position (GRCh38, 1-based): chr2:214,932,707, T>C on the plus strand (A>G on the coding strand, the complement: ABCA12 is on the minus strand). VCF-style: chr2-214932707-T-C. GRCh37 (hg19) VCF-style: chr2-215797431-T-C.
Other names: c.6761A>G, p.Tyr2254Cys (NM_015657.4); short protein forms Y2254C, Y2572C.
Identifiers: ClinVar variation 931786 (VCV000931786.12), dbSNP rs199846944, ClinGen allele CA2090569.
Genomic context (GRCh38, chr2:214,932,707, plus strand): 5'-TGGTCATCTTGTGAGTCAACACTTATAGTGGAACCTTGGCTGCTGGTATCAGCAGTTTCA[T>C]AGGACTTCTGGTCTTTGGCAAAGTTGATGAAAACCTGATTTTTCAGGGAAAATAAAGCCA-3'
Protein context (NP_775099.2, residues 2562-2582): FINFAKDQKS[Tyr2572Cys]ETADTSSQGS